The following is an entry in ClinVar:

ClinVar aggregate classification (germline): Uncertain significance (1 of 4 stars; one submission).

Conditions:
Inborn genetic diseases. Identifiers: MedGen C0950123, MeSH D030342.

Allele frequency attached by ClinVar (database versions not stated): gnomAD 0.00001; gnomAD exomes 0.00002.
gnomAD v4.1: 26 of 1,612,950 alleles (0.0016%); highest among the groups gnomAD compares: Non-Finnish European, 0.0021%; no homozygotes.

Submission:

Ambry Genetics
Classification: Uncertain significance for Inborn genetic diseases. Last evaluated: 2024-03-14. Review status: criteria provided, single submitter. Criteria: Ambry Variant Classification Scheme 2023. Collection method: clinical testing. Allele origin: germline.
Comment: Not expected to trigger nonsense-mediated mRNA decay Based on insufficient or conflicting evidence, the clinical significance of this alteration remains unclear.

NM_006295.3(VARS1):c.3706C>T (p.Gln1236Ter)

Gene: VARS1 (valyl-tRNA synthetase 1; minus strand). Cytogenetic location: 6p21.33.
Variant type: single nucleotide variant.
Coding change: c.3706C>T on transcript NM_006295.3 (MANE Select); coding-DNA position 3706, C replaced by T.
Protein change: p.Gln1236Ter; replaces glutamine 1236 with a stop codon.
Molecular consequence: nonsense.
Genome position (GRCh38, 1-based): chr6:31,778,987, G>A on the plus strand (C>T on the coding strand, the complement: VARS1 is on the minus strand). VCF-style: chr6-31778987-G-A. GRCh37 (hg19) VCF-style: chr6-31746764-G-A.
Other names: short protein forms Q1236*.
Identifiers: ClinVar variation 3188189 (VCV003188189.1), dbSNP rs1206964821, ClinGen allele CA363429093.
Genomic context (GRCh38, chr6:31,778,987, plus strand): 5'-GAAGGGGATGGTGTGGGAAATGCCCACCCAGGCCACACACCTTGGCTTCATCTGCCTCCT[G>A]GACTTCGAGCGGCACCTTGACAGGATAGCCCGAGGCAGCACGGCGTTCCCGCAGACGCTG-3'